The following is an entry in ClinVar:

ClinVar aggregate classification (germline): Pathogenic (1 of 4 stars; one submission).

Submission:

Labcorp Genetics (formerly Invitae), Labcorp
Classification: Pathogenic. Last evaluated: 2024-08-22. Review status: criteria provided, single submitter. Criteria: Invitae Variant Classification Sherloc (09022015). Collection method: clinical testing. Allele origin: germline.
Comment: This sequence change creates a premature translational stop signal (p.Arg325Asnfs*10) in the DSG1 gene. It is expected to result in an absent or disrupted protein product. Loss-of-function variants in DSG1 are known to be pathogenic (PMID: 19018793, 23974871, 27534273, 27632246, 29604126). This variant is not present in population databases (gnomAD no frequency). This variant has not been reported in the literature in individuals affected with DSG1-related conditions. For these reasons, this variant has been classified as Pathogenic.

Literature cited by the submitters: PubMed 19018793; PubMed 23974871; PubMed 27534273; PubMed 27632246; PubMed 29604126.

NM_001942.4(DSG1):c.974_975del (p.Arg325fs)

Gene: DSG1 (desmoglein 1; plus strand). Cytogenetic location: 18q12.1.
Variant type: Deletion.
Coding change: c.974_975del on transcript NM_001942.4 (MANE Select); coding-DNA positions 974 to 975, 2 bases deleted (GA; older notation c.974_975delGA).
Protein change: p.Arg325fs; shifts the reading frame from arginine 325.
Molecular consequence: frameshift variant.
Genome position (GRCh38, 1-based): chr18:31,334,171-31,334,172, GA deleted; deleting any 2 consecutive bases within chr18:31,334,170-31,334,172 gives the same sequence; the c. name uses the placement nearest the transcript's 3' end. VCF-style (leftmost placement, unchanged base first): chr18-31334169-AAG-A. GRCh37 (hg19) VCF-style: chr18-28914132-AAG-A.
Other names: short protein forms R325fs.
Identifiers: ClinVar variation 3639121 (VCV003639121.2).